The following is an entry in ClinVar:

NM_001127222.2(CACNA1A):c.2975A>T (p.Glu992Val)

Gene: CACNA1A (calcium voltage-gated channel subunit alpha1 A; minus strand). Cytogenetic location: 19p13.13.
Variant type: single nucleotide variant.
Coding change: c.2975A>T on transcript NM_001127222.2 (MANE Select); coding-DNA position 2975, A replaced by T.
Protein change: p.Glu992Val; replaces glutamic acid 992 with valine.
Molecular consequence: missense variant.
Genome position (GRCh38, 1-based): chr19:13,298,658, T>A on the plus strand (A>T on the coding strand, the complement: CACNA1A is on the minus strand). VCF-style: chr19-13298658-T-A. GRCh37 (hg19) VCF-style: chr19-13409472-T-A.
Other names: c.2987A>T, p.Glu996Val (NM_000068.4, NM_023035.3); c.2978A>T, p.Glu993Val (NM_001127221.2, NM_001174080.2); short protein forms E993V, E992V, E996V.
Identifiers: ClinVar variation 68427 (VCV000068427.33), dbSNP rs16023, ClinGen allele CA152094.

ClinVar aggregate classification (germline): Benign/Likely benign. Review status: criteria provided, multiple submitters, no conflicts (2 of 4 stars). 16 submissions from 16 submitters: Benign (9); Likely benign (1). 6 of the submissions do not count toward it. Last evaluated 2026-02-03.

Conditions:
Episodic ataxia type 2 (EA2). Also called: ACETAZOLAMIDE-RESPONSIVE HEREDITARY PAROXYSMAL CEREBELLAR ATAXIA; ATAXIA, EPISODIC, WITH NYSTAGMUS; ATAXIA, FAMILIAL PAROXYSMAL; CEREBELLAR ATAXIA, PAROXYSMAL, ACETAZOLAMIDE-RESPONSIVE; CEREBELLOPATHY, HEREDITARY PAROXYSMAL; EPISODIC ATAXIA, NYSTAGMUS-ASSOCIATED. Identifiers: Orphanet 97, MedGen C1720416, MONDO:0007163, OMIM 108500.
Developmental and epileptic encephalopathy, 42 (DEE42A). Also called: Epileptic encephalopathy, early infantile, 42; DEVELOPMENTAL AND EPILEPTIC ENCEPHALOPATHY 42A; EPILEPTIC ENCEPHALOPATHY, EARLY INFANTILE, 42A. Identifiers: MedGen C4310716, MONDO:0014917, OMIM 617106.
Inborn genetic diseases. Identifiers: MedGen C0950123, MeSH D030342.

Allele frequency attached by ClinVar (database versions not stated): 1000 Genomes Project 0.11442; ESP Exome Variant Server 0.11666; gnomAD exomes 0.13701 and 0.14368; TOPMed 0.13475; ExAC 0.14556; 1000 Genomes Project 30x 0.12055; gnomAD 0.13308 and 0.13336.
gnomAD v4.1: 214,676 of 1,502,488 alleles (14%); highest among the groups gnomAD compares: Middle Eastern, 20%; 15,900 homozygotes.

Submissions (16):

Labcorp Genetics (formerly Invitae), Labcorp
Classification: Benign for Developmental and epileptic encephalopathy, 42; Episodic ataxia type 2. Last evaluated: 2026-02-03. Review status: criteria provided, single submitter. Criteria: Invitae Variant Classification Sherloc (09022015). Collection method: clinical testing. Allele origin: germline.

Blueprint Genetics
Classification: Likely benign. Last evaluated: 2024-11-28. Review status: criteria provided, single submitter. Criteria: ACMG Guidelines, 2015. Collection method: clinical testing. Allele origin: germline.

Unidad de Genómica Garrahan, Hospital de Pediatría Garrahan
Classification: Benign. Last evaluated: 2024-07-15. Review status: criteria provided, single submitter. Criteria: ACMG Guidelines, 2015. Collection method: clinical testing. Allele origin: germline. Affected: no. Observed: 28 variant alleles.
Comment: This variant is classified as Benign based on local population frequency. This variant was detected in 30% of patients studied in a panel designed for Epileptic and Developmental Encephalopathy and Progressive Myoclonus Epilepsy. Number of patients: 28. Only high quality variants are reported.

Mayo Clinic Laboratories, Mayo Clinic
Classification: Benign. Last evaluated: 2023-02-20. Review status: criteria provided, single submitter. Criteria: ACMG Guidelines, 2015. Collection method: clinical testing. Allele origin: germline. Observed: 329 variant alleles.
Comment: BA1

Athena Diagnostics
Classification: Benign. Last evaluated: 2021-05-03. Review status: criteria provided, single submitter. Criteria: Athena Diagnostics criteria. Collection method: clinical testing. Allele origin: unknown.

Ambry Genetics
Classification: Benign for Inborn genetic diseases. Last evaluated: 2016-03-11. Review status: criteria provided, single submitter. Criteria: Ambry Variant Classification Scheme 2023. Collection method: clinical testing. Allele origin: germline.

GeneDx
Classification: Benign. Last evaluated: 2016-01-05. Review status: criteria provided, single submitter. Criteria: GeneDx Variant Classification (06012015). Collection method: clinical testing. Allele origin: germline. Affected: yes.
Comment: This variant is considered likely benign or benign based on one or more of the following criteria: it is a conservative change, it occurs at a poorly conserved position in the protein, it is predicted to be benign by multiple in silico algorithms, and/or has population frequency not consistent with disease.

Eurofins Ntd Llc (ga)
Classification: Benign. Last evaluated: 2014-03-18. Review status: criteria provided, single submitter. Criteria: EGL Classification Definitions 2015. Collection method: clinical testing. Allele origin: germline. Observed: 6 variant alleles, 5 heterozygotes, 1 homozygote.

Breakthrough Genomics
Classification: Benign. Review status: criteria provided, single submitter. Criteria: ACMG Guidelines, 2015. Collection method: not provided. Allele origin: germline. Inheritance: Autosomal dominant inheritance. Affected: yes.

PreventionGenetics, part of Exact Sciences
Classification: Benign. Review status: criteria provided, single submitter. Criteria: ACMG Guidelines, 2015. Collection method: clinical testing. Allele origin: germline.

Clinical Genetics DNA and cytogenetics Diagnostics Lab, Erasmus MC, Erasmus Medical Center
Classification: Benign. Review status: no assertion criteria provided. Collection method: clinical testing. Allele origin: germline. Affected: yes. Study: VKGL Data-share Consensus. Not counted in ClinVar's aggregate classification.

Diagnostic Laboratory, Department of Genetics, University Medical Center Groningen
Classification: Benign. Review status: no assertion criteria provided. Collection method: clinical testing. Allele origin: germline. Affected: yes. Study: VKGL Data-share Consensus. Not counted in ClinVar's aggregate classification.

Genetic Services Laboratory, University of Chicago
Classification: Likely benign for AllHighlyPenetrant. Review status: no assertion criteria provided. Collection method: clinical testing. Allele origin: germline. Inheritance: Autosomal dominant inheritance. Not counted in ClinVar's aggregate classification.
Comment: Likely benign based on allele frequency in 1000 Genomes Project or ESP global frequency and its presence in a patient with a rare or unrelated disease phenotype. NOT Sanger confirmed.

Genome Diagnostics Laboratory, University Medical Center Utrecht
Classification: Benign. Review status: no assertion criteria provided. Collection method: clinical testing. Allele origin: germline. Affected: yes. Study: VKGL Data-share Consensus. Not counted in ClinVar's aggregate classification.

Joint Genome Diagnostic Labs from Nijmegen and Maastricht, Radboudumc and MUMC+
Classification: Benign. Review status: no assertion criteria provided. Collection method: clinical testing. Allele origin: germline. Affected: yes. Study: VKGL Data-share Consensus. Not counted in ClinVar's aggregate classification.

UniProtKB/Swiss-Prot
No classification provided. Review status: no classification provided. Collection method: not provided. Allele origin: not provided. Not counted in ClinVar's aggregate classification.